The following is an entry in ClinVar:

NM_001270508.2(TNFAIP3):c.295+6A>T

Gene: TNFAIP3 (TNF alpha induced protein 3; plus strand). Cytogenetic location: 6q23.3.
Variant type: single nucleotide variant.
Coding change: c.295+6A>T on transcript NM_001270508.2 (MANE Select); 6 bases into the intron after coding-DNA position 295, A replaced by T.
Molecular consequence: intron variant.
Genome position (GRCh38, 1-based): chr6:137,871,528, A>T. VCF-style: chr6-137871528-A-T. GRCh37 (hg19) VCF-style: chr6-138192665-A-T.
Other names: c.295+6A>T (NM_001270507.2, NM_006290.4).
Identifiers: ClinVar variation 3657643 (VCV003657643.2).

ClinVar aggregate classification (germline): Uncertain significance (1 of 4 stars; one submission).

Submission:

Labcorp Genetics (formerly Invitae), Labcorp
Classification: Uncertain significance. Last evaluated: 2024-06-24. Review status: criteria provided, single submitter. Criteria: Invitae Variant Classification Sherloc (09022015). Collection method: clinical testing. Allele origin: germline.
Comment: This sequence change falls in intron 2 of the TNFAIP3 gene. It does not directly change the encoded amino acid sequence of the TNFAIP3 protein. It affects a nucleotide within the consensus splice site. This variant is not present in population databases (gnomAD no frequency). This variant has not been reported in the literature in individuals affected with TNFAIP3-related conditions. Variants that disrupt the consensus splice site are a relatively common cause of aberrant splicing (PMID: 17576681, 9536098). Algorithms developed to predict the effect of sequence changes on RNA splicing suggest that this variant is not likely to affect RNA splicing. In summary, the available evidence is currently insufficient to determine the role of this variant in disease. Therefore, it has been classified as a Variant of Uncertain Significance.

Literature cited by the submitters: PubMed 17576681; PubMed 9536098.